The following is an entry in ClinVar:

NM_006063.3(KLHL41):c.1186G>T (p.Val396Leu)

Gene: KLHL41 (kelch like family member 41; plus strand). Cytogenetic location: 2q31.1.
Variant type: single nucleotide variant.
Coding change: c.1186G>T on transcript NM_006063.3 (MANE Select); coding-DNA position 1186, G replaced by T.
Protein change: p.Val396Leu; replaces valine 396 with leucine.
Molecular consequence: missense variant.
Genome position (GRCh38, 1-based): chr2:169,514,649, G>T. VCF-style: chr2-169514649-G-T. GRCh37 (hg19) VCF-style: chr2-170371159-G-T.
Other names: short protein forms V396L.
Identifiers: ClinVar variation 541707 (VCV000541707.15), dbSNP rs147650614, ClinGen allele CA1956632.

ClinVar aggregate classification (germline): Conflicting classifications of pathogenicity. Review status: criteria provided, conflicting classifications (1 of 4 stars). 2 submissions from 2 submitters: Uncertain significance (1); Likely benign (1). Last evaluated 2026-01-04.

Conditions:
Nemaline myopathy 9 (NEM9). Identifiers: MedGen C3810384, MONDO:0014326, OMIM 615731.

Allele frequency attached by ClinVar (database versions not stated): ExAC 0.00024; 1000 Genomes Project 30x 0.00031; 1000 Genomes Project 0.00040; gnomAD 0.00045; ESP Exome Variant Server 0.00046; TOPMed 0.00063.
gnomAD v4.1: 173 of 1,613,890 alleles (0.011%); highest among the groups gnomAD compares: African/African-American, 0.19%; no homozygotes.

Submissions (2):

Labcorp Genetics (formerly Invitae), Labcorp
Classification: Likely benign for Nemaline myopathy 9. Last evaluated: 2026-01-04. Review status: criteria provided, single submitter. Criteria: Invitae Variant Classification Sherloc (09022015). Collection method: clinical testing. Allele origin: germline.

GeneDx
Classification: Uncertain significance. Last evaluated: 2020-12-31. Review status: criteria provided, single submitter. Criteria: GeneDx Variant Classification Process June 2021. Collection method: clinical testing. Allele origin: germline. Affected: yes.
Comment: In silico analysis supports that this variant does not alter protein structure/function; Has not been previously published as pathogenic or benign to our knowledge